The following is an entry in ClinVar:

NM_002900.3(RBP3):c.859G>C (p.Gly287Arg)

Gene: RBP3 (retinol binding protein 3; plus strand). Cytogenetic location: 10q11.22.
Variant type: single nucleotide variant.
Coding change: c.859G>C on transcript NM_002900.3 (MANE Select); coding-DNA position 859, G replaced by C.
Protein change: p.Gly287Arg; replaces glycine 287 with arginine.
Molecular consequence: missense variant.
Genome position (GRCh38, 1-based): chr10:47,349,343, G>C. VCF-style: chr10-47349343-G-C. GRCh37 (hg19) VCF-style: chr10-48390019-C-G.
Other names: c.859G>C (NM_002900.2); short protein forms G287R.
Identifiers: ClinVar variation 1484383 (VCV001484383.9), dbSNP rs143324951, ClinGen allele CA5487676.

ClinVar aggregate classification (germline): Uncertain significance. Review status: criteria provided, multiple submitters, no conflicts (2 of 4 stars). 3 submissions from 3 submitters: Uncertain significance (3). Last evaluated 2024-11-27.

Conditions:
Inborn genetic diseases. Identifiers: MedGen C0950123, MeSH D030342.

Allele frequency attached by ClinVar (database versions not stated): gnomAD 0.00001; gnomAD exomes 0.00003; ESP Exome Variant Server 0.00008.
gnomAD v4.1: 17 of 1,612,420 alleles (0.0011%); highest among the groups gnomAD compares: Admixed American, 0.0017%; no homozygotes.

Submissions (3):

Blueprint Genetics
Classification: Uncertain significance. Last evaluated: 2024-11-27. Review status: criteria provided, single submitter. Criteria: ACMG Guidelines, 2015. Collection method: clinical testing. Allele origin: germline.

Ambry Genetics
Classification: Uncertain significance for Inborn genetic diseases. Last evaluated: 2022-02-02. Review status: criteria provided, single submitter. Criteria: Ambry Variant Classification Scheme 2023. Collection method: clinical testing. Allele origin: germline.

Labcorp Genetics (formerly Invitae), Labcorp
Classification: Uncertain significance. Last evaluated: 2021-03-26. Review status: criteria provided, single submitter. Criteria: Invitae Variant Classification Sherloc (09022015). Collection method: clinical testing. Allele origin: germline.
Comment: This variant is present in population databases (rs143324951, ExAC 0.01%). In summary, the available evidence is currently insufficient to determine the role of this variant in disease. Therefore, it has been classified as a Variant of Uncertain Significance. Algorithms developed to predict the effect of missense changes on protein structure and function are either unavailable or do not agree on the potential impact of this missense change (SIFT: "Deleterious"; PolyPhen-2: "Probably Damaging"; Align-GVGD: "Class C15"). This variant has not been reported in the literature in individuals with RBP3-related conditions. This sequence change replaces glycine with arginine at codon 287 of the RBP3 protein (p.Gly287Arg). The glycine residue is moderately conserved and there is a moderate physicochemical difference between glycine and arginine.